The following is an entry in ClinVar:

NM_014845.6(FIG4):c.2460-5T>A

Gene: FIG4 (FIG4 phosphoinositide 5-phosphatase; plus strand). Cytogenetic location: 6q21.
Variant type: single nucleotide variant.
Coding change: c.2460-5T>A on transcript NM_014845.6 (MANE Select); 5 bases into the intron before coding-DNA position 2460, T replaced by A.
Molecular consequence: intron variant.
Genome position (GRCh38, 1-based): chr6:109,796,760, T>A. VCF-style: chr6-109796760-T-A. GRCh37 (hg19) VCF-style: chr6-110117963-T-A.
Identifiers: ClinVar variation 1928558 (VCV001928558.5), dbSNP rs2486243464, ClinGen allele CA2580074755.
Genomic context (GRCh38, chr6:109,796,760, plus strand): 5'-TGATCTACTGAATTAATTGCAAGTACTCCCTTCTTTAGCTGACTCTTATCCATTGTAATT[T>A]GTAGATTTGTTCAGCTGGGGCAGAGTCAACATAAACAAGACAAGAATAGCCAGCAGCCCT-3'

ClinVar aggregate classification (germline): Uncertain significance (1 of 4 stars; one submission).

Conditions:
Charcot-Marie-Tooth disease type 4. Also called: Charcot-Marie-Tooth disease, type IV; Charcot-Marie-Tooth, Type 4. Identifiers: Orphanet 64749, MedGen C4082197, MONDO:0018995.

Submission:

Labcorp Genetics (formerly Invitae), Labcorp
Classification: Uncertain significance for Charcot-Marie-Tooth disease type 4. Last evaluated: 2025-08-18. Review status: criteria provided, single submitter. Criteria: Invitae Variant Classification Sherloc (09022015). Collection method: clinical testing. Allele origin: germline.
Comment: This sequence change falls in intron 21 of the FIG4 gene. It does not directly change the encoded amino acid sequence of the FIG4 protein. This variant is not present in population databases (gnomAD no frequency). This variant has not been reported in the literature in individuals affected with FIG4-related conditions. ClinVar contains an entry for this variant (Variation ID: 1928558). Algorithms developed to predict the effect of sequence changes on RNA splicing suggest that this variant may disrupt the consensus splice site. In summary, the available evidence is currently insufficient to determine the role of this variant in disease. Therefore, it has been classified as a Variant of Uncertain Significance.